The following is an entry in ClinVar:

ClinVar aggregate classification (germline): Likely benign. Review status: criteria provided, multiple submitters, no conflicts (2 of 4 stars). 7 submissions from 7 submitters: Likely benign (7). Last evaluated 2025-11-09.

Conditions:
POLD1-related polyposis and colorectal cancer syndrome (CRCS10). Also called: Colorectal cancer 10; Colorectal cancer, susceptibility to, 10; COLORECTAL CANCER, SUSCEPTIBILITY TO, ON CHROMOSOME 19q. Identifiers: Orphanet 220460, MedGen C2675481, MONDO:0012953, OMIM 612591.
Hereditary cancer-predisposing syndrome. Also called: Neoplastic Syndromes, Hereditary; Hereditary neoplastic syndrome; Tumor predisposition; Hereditary Cancer Syndrome. Identifiers: Orphanet 140162, MedGen C0027672, MeSH D009386, MONDO:0015356.

Allele frequency attached by ClinVar (database versions not stated): gnomAD exomes 0.00002 and 0.00003; ExAC 0.00003; gnomAD 0.00003; TOPMed 0.00004.
gnomAD v4.1: 32 of 1,610,418 alleles (0.002%); highest among the groups gnomAD compares: Non-Finnish European, 0.0025%; no homozygotes.

Submissions (7):

Labcorp Genetics (formerly Invitae), Labcorp
Classification: Likely benign for POLD1-related polyposis and colorectal cancer syndrome. Last evaluated: 2025-11-09. Review status: criteria provided, single submitter. Criteria: Invitae Variant Classification Sherloc (09022015). Collection method: clinical testing. Allele origin: germline.

Center for Genomic Medicine, Rigshospitalet, Copenhagen University Hospital
Classification: Likely benign. Last evaluated: 2025-03-04. Review status: criteria provided, single submitter. Criteria: ACMG Guidelines, 2015. Collection method: clinical testing. Allele origin: germline.

CeGaT Center for Human Genetics Tuebingen
Classification: Likely benign. Last evaluated: 2024-12-01. Review status: criteria provided, single submitter. Criteria: CeGaT Center For Human Genetics Tuebingen Variant Classification Criteria Version 2. Collection method: clinical testing. Allele origin: germline. Affected: yes. Observed: 4 variant alleles.
Comment: POLD1: BP4, BP7

Blueprint Genetics
Classification: Likely benign. Last evaluated: 2022-01-19. Review status: criteria provided, single submitter. Criteria: ACMG Guidelines, 2015. Collection method: clinical testing. Allele origin: germline.

GeneDx
Classification: Likely benign. Last evaluated: 2020-05-05. Review status: criteria provided, single submitter. Criteria: GeneDx Variant Classification Process June 2021. Collection method: clinical testing. Allele origin: germline. Affected: yes.

PreventionGenetics, part of Exact Sciences
Classification: Likely benign. Last evaluated: 2017-08-25. Review status: criteria provided, single submitter. Criteria: ACMG Guidelines, 2015. Collection method: clinical testing. Allele origin: germline.

Ambry Genetics
Classification: Likely benign for Hereditary cancer-predisposing syndrome. Last evaluated: 2015-08-05. Review status: criteria provided, single submitter. Criteria: Ambry Variant Classification Scheme 2023. Collection method: clinical testing. Allele origin: germline.

NM_002691.4(POLD1):c.3249G>A (p.Lys1083=)

Gene: POLD1 (DNA polymerase delta 1, catalytic subunit; plus strand). Cytogenetic location: 19q13.33.
Variant type: single nucleotide variant.
Coding change: c.3249G>A on transcript NM_002691.4 (MANE Select); coding-DNA position 3249, G replaced by A.
Protein change: p.Lys1083=; no amino-acid change (lysine 1083 retained).
Molecular consequence: synonymous variant. On other transcripts: non-coding transcript variant (1).
Genome position (GRCh38, 1-based): chr19:50,417,872, G>A. VCF-style: chr19-50417872-G-A. GRCh37 (hg19) VCF-style: chr19-50921129-G-A.
Other names: c.3249G>A, p.Lys1083= (NM_001256849.1); c.3327G>A, p.Lys1109= (NM_001308632.1).
Identifiers: ClinVar variation 386942 (VCV000386942.68), dbSNP rs760214407, ClinGen allele CA9596831.